The following is an entry in ClinVar:

NM_005477.3(HCN4):c.3098G>A (p.Gly1033Asp)

Gene: HCN4 (hyperpolarization activated cyclic nucleotide gated potassium channel 4; minus strand). Cytogenetic location: 15q24.1.
Variant type: single nucleotide variant.
Coding change: c.3098G>A on transcript NM_005477.3 (MANE Select); coding-DNA position 3098, G replaced by A.
Protein change: p.Gly1033Asp; replaces glycine 1033 with aspartic acid.
Molecular consequence: missense variant.
Genome position (GRCh38, 1-based): chr15:73,322,995, C>T on the plus strand (G>A on the coding strand, the complement: HCN4 is on the minus strand). VCF-style: chr15-73322995-C-T. GRCh37 (hg19) VCF-style: chr15-73615336-C-T.
Other names: c.3098G>A (NM_005477.2); short protein forms G1033D.
Identifiers: ClinVar variation 2185221 (VCV002185221.6), dbSNP rs1441737579, ClinGen allele CA393086220.

ClinVar aggregate classification (germline): Uncertain significance. Review status: criteria provided, multiple submitters, no conflicts (2 of 4 stars). 3 submissions from 3 submitters: Uncertain significance (3). Last evaluated 2026-01-06.

Conditions:
Brugada syndrome 8 (BRGDA8). Identifiers: Orphanet 130, MedGen C2751083, MONDO:0013148, OMIM 613123.
Cardiovascular phenotype. Identifiers: MedGen CN230736.

Allele frequency attached by ClinVar (database versions not stated): TOPMed below 0.00001.
gnomAD v4.1: 4 of 1,454,690 alleles (0.00027%); highest among the groups gnomAD compares: Non-Finnish European, 0.00036%; no homozygotes.

Submissions (3):

Ambry Genetics
Classification: Uncertain significance for Cardiovascular phenotype. Last evaluated: 2026-01-06. Review status: criteria provided, single submitter. Criteria: Ambry Variant Classification Scheme 2023. Collection method: clinical testing. Allele origin: germline.
Comment: The p.G1033D variant (also known as c.3098G>A), located in coding exon 8 of the HCN4 gene, results from a G to A substitution at nucleotide position 3098. The glycine at codon 1033 is replaced by aspartic acid, an amino acid with similar properties. This amino acid position is conserved. In addition, the in silico prediction for this alteration is inconclusive. Based on the available evidence, the clinical significance of this variant remains unclear.

Labcorp Genetics (formerly Invitae), Labcorp
Classification: Uncertain significance for Brugada syndrome 8. Last evaluated: 2025-08-18. Review status: criteria provided, single submitter. Criteria: Invitae Variant Classification Sherloc (09022015). Collection method: clinical testing. Allele origin: germline.
Comment: This sequence change replaces glycine, which is neutral and non-polar, with aspartic acid, which is acidic and polar, at codon 1033 of the HCN4 protein (p.Gly1033Asp). This variant is not present in population databases (gnomAD no frequency). This variant has not been reported in the literature in individuals affected with HCN4-related conditions. ClinVar contains an entry for this variant (Variation ID: 2185221). Invitae Evidence Modeling of protein sequence and biophysical properties (such as structural, functional, and spatial information, amino acid conservation, physicochemical variation, residue mobility, and thermodynamic stability) indicates that this missense variant is not expected to disrupt HCN4 protein function with a negative predictive value of 95%. In summary, the available evidence is currently insufficient to determine the role of this variant in disease. Therefore, it has been classified as a Variant of Uncertain Significance.

Women's Health and Genetics/Laboratory Corporation of America, LabCorp
Classification: Uncertain significance. Last evaluated: 2025-07-24. Review status: criteria provided, single submitter. Criteria: LabCorp Variant Classification Summary - May 2015. Collection method: clinical testing. Allele origin: germline.